The following is an entry in ClinVar:

NM_004523.4(KIF11):c.265A>C (p.Ile89Leu)

Gene: KIF11 (kinesin family member 11; plus strand). Cytogenetic location: 10q23.33.
Variant type: single nucleotide variant.
Coding change: c.265A>C on transcript NM_004523.4 (MANE Select); coding-DNA position 265, A replaced by C.
Protein change: p.Ile89Leu; replaces isoleucine 89 with leucine.
Molecular consequence: missense variant.
Genome position (GRCh38, 1-based): chr10:92,606,673, A>C. VCF-style: chr10-92606673-A-C. GRCh37 (hg19) VCF-style: chr10-94366430-A-C.
Other names: short protein forms I89L.
Identifiers: ClinVar variation 1043617 (VCV001043617.8), dbSNP rs1844434272, ClinGen allele CA377588536.

ClinVar aggregate classification (germline): Uncertain significance (1 of 4 stars; one submission).

Submission:

Labcorp Genetics (formerly Invitae), Labcorp
Classification: Uncertain significance. Last evaluated: 2020-03-05. Review status: criteria provided, single submitter. Criteria: Invitae Variant Classification Sherloc (09022015). Collection method: clinical testing. Allele origin: germline.
Comment: This variant is not present in population databases (ExAC no frequency). This sequence change replaces isoleucine with leucine at codon 89 of the KIF11 protein (p.Ile89Leu). The isoleucine residue is highly conserved and there is a small physicochemical difference between isoleucine and leucine. This variant has not been reported in the literature in individuals with KIF11-related conditions. In summary, the available evidence is currently insufficient to determine the role of this variant in disease. Therefore, it has been classified as a Variant of Uncertain Significance. Algorithms developed to predict the effect of missense changes on protein structure and function are either unavailable or do not agree on the potential impact of this missense change (SIFT: "Deleterious"; PolyPhen-2: "Benign"; Align-GVGD: "Class C0").